The following is an entry in ClinVar:

NM_001130144.3(LTBP3):c.1274G>A (p.Arg425His)

Gene: LTBP3 (latent transforming growth factor beta binding protein 3; minus strand). Cytogenetic location: 11q13.1.
Variant type: single nucleotide variant.
Coding change: c.1274G>A on transcript NM_001130144.3 (MANE Select); coding-DNA position 1274, G replaced by A.
Protein change: p.Arg425His; replaces arginine 425 with histidine.
Molecular consequence: missense variant.
Genome position (GRCh38, 1-based): chr11:65,552,319, C>T on the plus strand (G>A on the coding strand, the complement: LTBP3 is on the minus strand). VCF-style: chr11-65552319-C-T. GRCh37 (hg19) VCF-style: chr11-65319790-C-T.
Other names: c.923G>A, p.Arg308His (NM_001164266.1); c.1274G>A, p.Arg425His (NM_021070.4); short protein forms R308H, R425H.
Identifiers: ClinVar variation 2481494 (VCV002481494.5), dbSNP rs759612272, ClinGen allele CA6101016.

ClinVar aggregate classification (germline): Uncertain significance. Review status: criteria provided, multiple submitters, no conflicts (2 of 4 stars). 2 submissions from 2 submitters: Uncertain significance (2). Last evaluated 2023-12-21.

Conditions:
Inborn genetic diseases. Identifiers: MedGen C0950123, MeSH D030342.
Brachyolmia-amelogenesis imperfecta syndrome. Also called: Tooth agenesis, selective, 6; Dental anomalies and short stature; PLATYSPONDYLY WITH AMELOGENESIS IMPERFECTA. Identifiers: Orphanet 2899, MedGen C1832594, MONDO:0011018, OMIM 601216. Disease mechanism: loss of function.

Allele frequency attached by ClinVar (database versions not stated): gnomAD exomes below 0.00001; gnomAD 0.00001; TOPMed 0.00001; ExAC 0.00002.
gnomAD v4.1: 7 of 1,613,798 alleles (0.00043%); highest among the groups gnomAD compares: Admixed American, 0.0017%; no homozygotes.

Submissions (2):

Labcorp Genetics (formerly Invitae), Labcorp
Classification: Uncertain significance for Brachyolmia-amelogenesis imperfecta syndrome. Last evaluated: 2023-12-21. Review status: criteria provided, single submitter. Criteria: Invitae Variant Classification Sherloc (09022015). Collection method: clinical testing. Allele origin: germline.
Comment: This sequence change replaces arginine, which is basic and polar, with histidine, which is basic and polar, at codon 425 of the LTBP3 protein (p.Arg425His). This variant is present in population databases (rs759612272, gnomAD 0.01%). This variant has not been reported in the literature in individuals affected with LTBP3-related conditions. ClinVar contains an entry for this variant (Variation ID: 2481494). An algorithm developed to predict the effect of missense changes on protein structure and function (PolyPhen-2) suggests that this variant is likely to be disruptive. In summary, the available evidence is currently insufficient to determine the role of this variant in disease. Therefore, it has been classified as a Variant of Uncertain Significance.

Ambry Genetics
Classification: Uncertain significance for Inborn genetic diseases. Last evaluated: 2023-02-07. Review status: criteria provided, single submitter. Criteria: Ambry Variant Classification Scheme 2023. Collection method: clinical testing. Allele origin: germline.